The following is an entry in ClinVar:

NM_021620.4(PRDM13):c.1985C>T (p.Ala662Val)

Gene: PRDM13 (PR/SET domain 13; plus strand). Cytogenetic location: 6q16.2.
Variant type: single nucleotide variant.
Coding change: c.1985C>T on transcript NM_021620.4 (MANE Select); coding-DNA position 1985, C replaced by T.
Protein change: p.Ala662Val; replaces alanine 662 with valine.
Molecular consequence: missense variant.
Genome position (GRCh38, 1-based): chr6:99,614,620, C>T. VCF-style: chr6-99614620-C-T. GRCh37 (hg19) VCF-style: chr6-100062496-C-T.
Other names: short protein forms A662V.
Identifiers: ClinVar variation 1390992 (VCV001390992.6), dbSNP rs1056375834, ClinGen allele CA143976277.

ClinVar aggregate classification (germline): Uncertain significance (1 of 4 stars; one submission).

Allele frequency attached by ClinVar (database versions not stated): TOPMed below 0.00001; gnomAD 0.00001.
gnomAD v4.1: 1 of 1,612,286 alleles (0.000062%); highest among the groups gnomAD compares: Non-Finnish European, 0.000085%; no homozygotes.

Submission:

Labcorp Genetics (formerly Invitae), Labcorp
Classification: Uncertain significance. Last evaluated: 2021-11-03. Review status: criteria provided, single submitter. Criteria: Invitae Variant Classification Sherloc (09022015). Collection method: clinical testing. Allele origin: germline.
Comment: Algorithms developed to predict the effect of missense changes on protein structure and function are either unavailable or do not agree on the potential impact of this missense change (SIFT: "Deleterious"; PolyPhen-2: "Benign"; Align-GVGD: "Class C0"). Algorithms developed to predict the effect of sequence changes on RNA splicing suggest that this variant may create or strengthen a splice site. In summary, the available evidence is currently insufficient to determine the role of this variant in disease. Therefore, it has been classified as a Variant of Uncertain Significance. This variant has not been reported in the literature in individuals affected with PRDM13-related conditions. This sequence change replaces alanine, which is neutral and non-polar, with valine, which is neutral and non-polar, at codon 662 of the PRDM13 protein (p.Ala662Val). This variant is not present in population databases (gnomAD no frequency).